The following is an entry in ClinVar:

ClinVar aggregate classification (germline): Likely benign (0 of 4 stars; one submission).

Conditions:
Breast-ovarian cancer, familial, susceptibility to, 1 (BROVCA1). Also called: BRCA1 Hereditary Breast and Ovarian Cancer; OVARIAN CANCER, SUSCEPTIBILITY TO. Identifiers: Orphanet 145, MedGen C2676676, MONDO:0011450, OMIM 604370. Disease mechanism: loss of function.

Submission:

Department of Medical and Surgical Sciences, University of Bologna
Classification: Likely benign for Breast-ovarian cancer, familial, susceptibility to, 1. Last evaluated: 2023-09-01. Review status: no assertion criteria provided. Collection method: clinical testing. Allele origin: germline. Affected: yes.
Comment: BP4(Supporting)+BP7(Supporting) according to ACMG/AMP classification guidelines specified for BRCA1 & BRCA2 (Classification Criteria V1.0.0 2023-09-08) (PMID: 38160042)

NM_007294.4(BRCA1):c.671-23T>C

Gene: BRCA1 (BRCA1 DNA repair associated; minus strand). Cytogenetic location: 17q21.31.
Variant type: single nucleotide variant.
Coding change: c.671-23T>C on transcript NM_007294.4 (MANE Select); 23 bases into the intron before coding-DNA position 671, T replaced by C.
Molecular consequence: intron variant.
Genome position (GRCh38, 1-based): chr17:43,094,883, A>G on the plus strand (T>C on the coding strand, the complement: BRCA1 is on the minus strand). VCF-style: chr17-43094883-A-G. GRCh37 (hg19) VCF-style: chr17-41246900-A-G.
Other names: c.548-23T>C (NM_001408443.1, NM_001408439.1, NM_001408425.1 and 34 more transcripts); c.670+963T>C (NM_001408419.1, NM_001408423.1, NM_001408420.1 and 2 more transcripts); c.671-23T>C (NM_001408403.1, NM_001407983.1, NM_001407975.1 and 53 more transcripts); c.167-23T>C (NM_001407965.1, NM_001408512.1); c.404-23T>C (NM_001407930.1, NM_001408505.1, NM_001407932.1 and 5 more transcripts); c.527-23T>C (NM_001407843.1, NM_001407964.1, NM_001407844.1 and 26 more transcripts); c.530-23T>C (NM_001408456.1, NM_001407733.1, NM_001408457.1 and 43 more transcripts); c.404-3851T>C (NM_001408511.1); and 20 more.
Identifiers: ClinVar variation 2683810 (VCV002683810.1), dbSNP rs2154501623, ClinGen allele CA2697559886.